The following is an entry in ClinVar:

ClinVar aggregate classification (germline): Pathogenic (1 of 4 stars; one submission).

Conditions:
Mucopolysaccharidosis, MPS-III-A (MPS3A). Also called: HEPARAN SULFATE SULFATASE DEFICIENCY; SANFILIPPO SYNDROME A; SULFAMIDASE DEFICIENCY; MUCOPOLYSACCHARIDOSIS, TYPE IIIA, ATTENUATED; Mucopolysaccharidosis, type IIIA; mucopolysaccharidosis type 3A. Identifiers: Orphanet 581, Orphanet 79269, MedGen C0086647, MONDO:0009655, OMIM 252900.

Submission:

Labcorp Genetics (formerly Invitae), Labcorp
Classification: Pathogenic for Mucopolysaccharidosis, MPS-III-A. Last evaluated: 2022-06-18. Review status: criteria provided, single submitter. Criteria: Invitae Variant Classification Sherloc (09022015). Collection method: clinical testing. Allele origin: germline.
Comment: This variant is a gross deletion of the genomic region encompassing exon(s) 1 of the SGSH gene, which includes the initiator codon. This deletion extends beyond the assayed region for this gene and therefore may encompass additional genes. It is expected to result in an absent or disrupted protein product. Loss-of-function variants in SGSH are known to be pathogenic (PMID: 11182930, 21204211, 22976768). This variant has not been reported in the literature in individuals affected with SGSH-related conditions. For these reasons, this variant has been classified as Pathogenic.

Literature cited by the submitters: PubMed 11182930; PubMed 21204211; PubMed 22976768.

NC_000017.10:g.(?_78194005)_(78194112_?)del

Gene: SGSH (N-sulfoglucosamine sulfohydrolase; minus strand). Cytogenetic location: 17q25.3.
Variant type: Deletion.
Identifiers: ClinVar variation 2422573 (VCV002422573.3).